The following is an entry in ClinVar:

NM_001267550.2(TTN):c.72652A>C (p.Asn24218His)

Genes: TTN (titin; minus strand), TTN-AS1 (TTN antisense RNA 1; plus strand). Cytogenetic location: 2q31.2.
Variant type: single nucleotide variant.
Coding change: c.72652A>C on transcript NM_001267550.2 (MANE Select); coding-DNA position 72652, A replaced by C.
Protein change: p.Asn24218His; replaces asparagine 24218 with histidine.
Molecular consequence: missense variant.
Genome position (GRCh38, 1-based): chr2:178,573,480, T>G on the plus strand (A>C on the coding strand, the complement: TTN is on the minus strand). VCF-style: chr2-178573480-T-G. GRCh37 (hg19) VCF-style: chr2-179438207-T-G.
Other names: c.64948A>C, p.Asn21650His (NM_133378.4); c.67729A>C, p.Asn22577His (NM_001256850.1); c.45457A>C, p.Asn15153His (NM_003319.4); c.45832A>C, p.Asn15278His (NM_133432.3); c.46033A>C, p.Asn15345His (NM_133437.4); short protein forms N21650H, N24218H, N15153H, N15278H, N22577H, N15345H.
Identifiers: ClinVar variation 179957 (VCV000179957.5), dbSNP rs727505243, ClinGen allele CA185509.

ClinVar aggregate classification (germline): Uncertain significance (1 of 4 stars; one submission).

Submission:

Laboratory for Molecular Medicine, Mass General Brigham Personalized Medicine
Classification: Uncertain significance. Last evaluated: 2014-08-21. Review status: criteria provided, single submitter. Criteria: LMM Criteria. Collection method: clinical testing. Allele origin: germline. Observed: 1 variant allele.
Comment: The Asn21650His variant in TTN has not been previously reported in individuals w ith cardiomyopathy or in large population studies. Computational prediction tool s and conservation analysis do not provide strong support for or against an impa ct to the protein. In summary, the clinical significance of the Asn21650His vari ant is uncertain.